The following is an entry in ClinVar:

NM_000254.3(MTR):c.2474-1G>C

Gene: MTR (5-methyltetrahydrofolate-homocysteine methyltransferase; plus strand). Cytogenetic location: 1q43.
Variant type: single nucleotide variant.
Coding change: c.2474-1G>C on transcript NM_000254.3 (MANE Select); the canonical splice acceptor site of the intron before coding-DNA position 2474, G replaced by C.
Molecular consequence: splice acceptor variant. On other transcripts: intron variant (1).
Genome position (GRCh38, 1-based): chr1:236,874,725, G>C. VCF-style: chr1-236874725-G-C. GRCh37 (hg19) VCF-style: chr1-237038025-G-C.
Other names: c.2321-1G>C (NM_001291939.1); c.2406-6030G>C (NM_001410942.1); c.1253-1G>C (NM_001291940.2).
Identifiers: ClinVar variation 930329 (VCV000930329.6), dbSNP rs757963570, ClinGen allele CA39759968.
Genomic context (GRCh38, chr1:236,874,725, plus strand): 5'-TTTTCTTTCATCTTCCTCACTGTCCTTTTTGTCCTTTTTTTTTTAAAAAAAAAAAAAATA[G>C]ATATAATTGGCCTGTCAGGACTCATCACTCCTTCCCTGGATGAAATGATTTTTGTTGCCA-3'

ClinVar aggregate classification (germline): Pathogenic. Review status: criteria provided, multiple submitters, no conflicts (2 of 4 stars). 2 submissions from 2 submitters: Pathogenic (2). Last evaluated 2024-01-18.

Conditions:
Methylcobalamin deficiency type cblG (HMAG). Also called: HOMOCYSTINURIA-MEGALOBLASTIC ANEMIA, cblG TYPE; HOMOCYSTINURIA-MEGALOBLASTIC ANEMIA, cblG COMPLEMENTATION TYPE; Functional methionine synthase deficiency type cblG; HOMOCYSTINURIA-MEGALOBLASTIC ANEMIA DUE TO DEFECT IN COBALAMIN METABOLISM, cblG COMPLEMENTATION TYPE. Identifiers: Orphanet 2170, Orphanet 622, MedGen C1855128, MONDO:0009609, OMIM 250940.

Allele frequency attached by ClinVar (database versions not stated): gnomAD 0.00001; TOPMed 0.00002.
gnomAD v4.1: 15 of 1,553,248 alleles (0.00097%); highest among the groups gnomAD compares: Middle Eastern, 0.018%; no homozygotes.

Submissions (2):

Labcorp Genetics (formerly Invitae), Labcorp
Classification: Pathogenic for Methylcobalamin deficiency type cblG. Last evaluated: 2024-01-18. Review status: criteria provided, single submitter. Criteria: Invitae Variant Classification Sherloc (09022015). Collection method: clinical testing. Allele origin: germline.
Comment: This sequence change affects an acceptor splice site in intron 23 of the MTR gene. It is expected to disrupt RNA splicing. Variants that disrupt the donor or acceptor splice site typically lead to a loss of protein function (PMID: 16199547), and loss-of-function variants in MTR are known to be pathogenic (PMID: 9683607, 12068375). This variant is not present in population databases (gnomAD no frequency). Disruption of this splice site has been observed in individual(s) with cobalamin G deficiency (PMID: 25526710; Invitae). ClinVar contains an entry for this variant (Variation ID: 930329). Algorithms developed to predict the effect of sequence changes on RNA splicing suggest that this variant may disrupt the consensus splice site. For these reasons, this variant has been classified as Pathogenic.

Centre for Mendelian Genomics, University Medical Centre Ljubljana
Classification: Pathogenic for Methylcobalamin deficiency type cblG. Last evaluated: 2019-04-08. Review status: criteria provided, single submitter. Criteria: ACMG Guidelines, 2015. Collection method: clinical testing. Allele origin: unknown. Affected: yes.
Comment: This variant was classified as: Pathogenic. The following ACMG criteria were applied in classifying this variant: PVS1,PM2,PP3.

Literature cited by the submitters: PubMed 16199547 (cited by Labcorp Genetics (formerly Invitae), Labcorp); PubMed 9683607 (cited by Labcorp Genetics (formerly Invitae), Labcorp); PubMed 12068375 (cited by Labcorp Genetics (formerly Invitae), Labcorp); PubMed 25526710 (cited by Labcorp Genetics (formerly Invitae), Labcorp).